The following is an entry in ClinVar:

ClinVar aggregate classification (germline): Uncertain significance (1 of 4 stars; one submission).

Conditions:
Schimke immuno-osseous dysplasia (SIOD). Also called: Schimke Immunoosseous Dysplasia. Identifiers: Orphanet 1830, MedGen C0877024, MONDO:0009458, OMIM 242900.

gnomAD v4.1: 3 of 1,614,124 alleles (0.00019%); highest among the groups gnomAD compares: Non-Finnish European, 0.00025%; no homozygotes.

Submission:

Labcorp Genetics (formerly Invitae), Labcorp
Classification: Uncertain significance for Schimke immuno-osseous dysplasia. Last evaluated: 2025-08-04. Review status: criteria provided, single submitter. Criteria: Invitae Variant Classification Sherloc (09022015). Collection method: clinical testing. Allele origin: germline.
Comment: This sequence change replaces asparagine, which is neutral and polar, with lysine, which is basic and polar, at codon 946 of the SMARCAL1 protein (p.Asn946Lys). This variant is not present in population databases (gnomAD no frequency). This variant has not been reported in the literature in individuals affected with SMARCAL1-related conditions. ClinVar contains an entry for this variant (Variation ID: 3730345). Invitae Evidence Modeling of protein sequence and biophysical properties (such as structural, functional, and spatial information, amino acid conservation, physicochemical variation, residue mobility, and thermodynamic stability) indicates that this missense variant is not expected to disrupt SMARCAL1 protein function with a negative predictive value of 95%. In summary, the available evidence is currently insufficient to determine the role of this variant in disease. Therefore, it has been classified as a Variant of Uncertain Significance.

NM_014140.4(SMARCAL1):c.2838C>G (p.Asn946Lys)

Gene: SMARCAL1 (SNF2 related chromatin remodeling annealing helicase 1; plus strand). Cytogenetic location: 2q35.
Variant type: single nucleotide variant.
Coding change: c.2838C>G on transcript NM_014140.4 (MANE Select); coding-DNA position 2838, C replaced by G.
Protein change: p.Asn946Lys; replaces asparagine 946 with lysine.
Molecular consequence: missense variant.
Genome position (GRCh38, 1-based): chr2:216,482,950, C>G. VCF-style: chr2-216482950-C-G. GRCh37 (hg19) VCF-style: chr2-217347673-C-G.
Other names: c.2838C>G, p.Asn946Lys (NM_001127207.2); short protein forms N946K.
Identifiers: ClinVar variation 3730345 (VCV003730345.2).
Genomic context (GRCh38, chr2:216,482,950, plus strand): 5'-GGATGAAAGCTCATTGACAGCCAGTCCACAGAAGAAAAGGAGATTTGAATTTTTTGATAA[C>G]TGGGACAGCTTTACGTCTCCCCTGTAAAAGGGGCAAAAAGAAAAAAATAAAAAGCATTTT-3'
Protein context (NP_054859.2, residues 936-954): QKKRRFEFFD[Asn946Lys]WDSFTSPL